The following is an entry in ClinVar:

NM_001127198.5(TMC6):c.2126C>T (p.Ser709Phe)

Gene: TMC6 (transmembrane channel like 6; minus strand). Cytogenetic location: 17q25.3.
Variant type: single nucleotide variant.
Coding change: c.2126C>T on transcript NM_001127198.5 (MANE Select); coding-DNA position 2126, C replaced by T.
Protein change: p.Ser709Phe; replaces serine 709 with phenylalanine.
Molecular consequence: missense variant. On other transcripts: non-coding transcript variant (4).
Genome position (GRCh38, 1-based): chr17:78,117,540, G>A on the plus strand (C>T on the coding strand, the complement: TMC6 is on the minus strand). VCF-style: chr17-78117540-G-A. GRCh37 (hg19) VCF-style: chr17-76113621-G-A.
Other names: c.2126C>T, p.Ser709Phe (NM_001321185.1, NM_001374596.1, NM_001375353.1 and 2 more transcripts); c.1946C>T, p.Ser649Phe (NM_001374593.1, NM_001374594.1); short protein forms S709F, S649F.
Identifiers: ClinVar variation 2061617 (VCV002061617.4), dbSNP rs2510327549, ClinGen allele CA401225172.

ClinVar aggregate classification (germline): Uncertain significance (1 of 4 stars; one submission).

Conditions:
Epidermodysplasia verruciformis. Identifiers: Orphanet 302, MedGen C0014522, MONDO:0009176.

Allele frequency attached by ClinVar (database versions not stated): gnomAD exomes below 0.00001.
gnomAD v4.1: 1 of 1,601,746 alleles (0.000062%); highest among the groups gnomAD compares: Non-Finnish European, 0.000085%; no homozygotes.

Submission:

Labcorp Genetics (formerly Invitae), Labcorp
Classification: Uncertain significance for Epidermodysplasia verruciformis. Last evaluated: 2022-07-12. Review status: criteria provided, single submitter. Criteria: Invitae Variant Classification Sherloc (09022015). Collection method: clinical testing. Allele origin: germline.
Comment: In summary, the available evidence is currently insufficient to determine the role of this variant in disease. Therefore, it has been classified as a Variant of Uncertain Significance. Algorithms developed to predict the effect of missense changes on protein structure and function are either unavailable or do not agree on the potential impact of this missense change (SIFT: "Not Available"; PolyPhen-2: "Benign"; Align-GVGD: "Not Available"). This sequence change replaces serine, which is neutral and polar, with phenylalanine, which is neutral and non-polar, at codon 709 of the TMC6 protein (p.Ser709Phe). This variant is not present in population databases (gnomAD no frequency). This variant has not been reported in the literature in individuals affected with TMC6-related conditions.